The following is an entry in ClinVar:

ClinVar aggregate classification (germline): Likely benign (1 of 4 stars; one submission).

Submission:

CeGaT Center for Human Genetics Tuebingen
Classification: Likely benign. Last evaluated: 2026-04-01. Review status: criteria provided, single submitter. Criteria: CeGaT Center For Human Genetics Tuebingen Variant Classification Criteria Version 2. Collection method: clinical testing. Allele origin: germline. Affected: yes. Observed: 1 variant allele.
Comment: SLC18A2: PM2:Supporting, BP4, BP7

NM_003054.6(SLC18A2):c.471C>A (p.Gly157=)

Gene: SLC18A2 (solute carrier family 18 member A2; plus strand). Cytogenetic location: 10q25.3.
Variant type: single nucleotide variant.
Coding change: c.471C>A on transcript NM_003054.6 (MANE Select); coding-DNA position 471, C replaced by A.
Protein change: p.Gly157=; no amino-acid change (glycine 157 retained).
Molecular consequence: synonymous variant.
Genome position (GRCh38, 1-based): chr10:117,253,405, C>A. VCF-style: chr10-117253405-C-A. GRCh37 (hg19) VCF-style: chr10-119012916-C-A.
Identifiers: ClinVar variation 4874013 (VCV004874013.2).